The following is an entry in ClinVar:

NM_001018113.3(FANCB):c.1120T>C (p.Cys374Arg)

Gene: FANCB (FA complementation group B; minus strand). Cytogenetic location: Xp22.2.
Variant type: single nucleotide variant.
Coding change: c.1120T>C on transcript NM_001018113.3 (MANE Select); coding-DNA position 1120, T replaced by C.
Protein change: p.Cys374Arg; replaces cysteine 374 with arginine.
Molecular consequence: missense variant.
Genome position (GRCh38, 1-based): chrX:14,857,939, A>G on the plus strand (T>C on the coding strand, the complement: FANCB is on the minus strand). VCF-style: chrX-14857939-A-G. GRCh37 (hg19) VCF-style: chrX-14876061-A-G.
Other names: c.1120T>C, p.Cys374Arg (NM_001324162.2, NM_152633.4); short protein forms C374R.
Identifiers: ClinVar variation 1493282 (VCV001493282.8), dbSNP rs781251036, ClinGen allele CA10353112.

ClinVar aggregate classification (germline): Uncertain significance (1 of 4 stars; one submission).

Conditions:
Fanconi anemia (FA). Also called: Fanconi's anemia. Identifiers: Orphanet 84, MedGen C0015625, MeSH D005199, MONDO:0019391.

Allele frequency attached by ClinVar (database versions not stated): gnomAD exomes below 0.00001 and 0.00001; ExAC 0.00001.
gnomAD v4.1: 2 of 1,140,971 alleles (0.00018%); highest among the groups gnomAD compares: Middle Eastern, 0.025%; no homozygotes.

Submission:

Labcorp Genetics (formerly Invitae), Labcorp
Classification: Uncertain significance for Fanconi anemia. Last evaluated: 2023-07-10. Review status: criteria provided, single submitter. Criteria: Invitae Variant Classification Sherloc (09022015). Collection method: clinical testing. Allele origin: germline.
Comment: This sequence change replaces cysteine, which is neutral and slightly polar, with arginine, which is basic and polar, at codon 374 of the FANCB protein (p.Cys374Arg). This variant is present in population databases (rs781251036, gnomAD 0.001%). This variant has not been reported in the literature in individuals affected with FANCB-related conditions. ClinVar contains an entry for this variant (Variation ID: 1493282). Advanced modeling of protein sequence and biophysical properties (such as structural, functional, and spatial information, amino acid conservation, physicochemical variation, residue mobility, and thermodynamic stability) performed at Invitae indicates that this missense variant is not expected to disrupt FANCB protein function. In summary, the available evidence is currently insufficient to determine the role of this variant in disease. Therefore, it has been classified as a Variant of Uncertain Significance.